The following is an entry in ClinVar:

ClinVar aggregate classification (germline): Uncertain significance (1 of 4 stars; one submission).

Submission:

Labcorp Genetics (formerly Invitae), Labcorp
Classification: Uncertain significance. Last evaluated: 2022-08-01. Review status: criteria provided, single submitter. Criteria: Invitae Variant Classification Sherloc (09022015). Collection method: clinical testing. Allele origin: germline.
Comment: This variant is not present in population databases (gnomAD no frequency). In summary, the available evidence is currently insufficient to determine the role of this variant in disease. Therefore, it has been classified as a Variant of Uncertain Significance. Algorithms developed to predict the effect of missense changes on protein structure and function output the following: SIFT: "Tolerated"; PolyPhen-2: "Benign"; Align-GVGD: "Class C0". The alanine amino acid residue is found in multiple mammalian species, which suggests that this missense change does not adversely affect protein function. ClinVar contains an entry for this variant (Variation ID: 1374007). This variant has not been reported in the literature in individuals affected with ADGRV1-related conditions. This sequence change replaces threonine, which is neutral and polar, with alanine, which is neutral and non-polar, at codon 5219 of the ADGRV1 protein (p.Thr5219Ala).

NM_032119.4(ADGRV1):c.15655A>G (p.Thr5219Ala)

Gene: ADGRV1 (adhesion G protein-coupled receptor V1; plus strand). Cytogenetic location: 5q14.3.
Variant type: single nucleotide variant.
Coding change: c.15655A>G on transcript NM_032119.4 (MANE Select); coding-DNA position 15655, A replaced by G.
Protein change: p.Thr5219Ala; replaces threonine 5219 with alanine.
Molecular consequence: missense variant. On other transcripts: non-coding transcript variant (1).
Genome position (GRCh38, 1-based): chr5:90,810,915, A>G. VCF-style: chr5-90810915-A-G. GRCh37 (hg19) VCF-style: chr5-90106732-A-G.
Other names: short protein forms T5219A.
Identifiers: ClinVar variation 1374007 (VCV001374007.6), dbSNP rs969289352, ClinGen allele CA122821956.